The following is an entry in ClinVar:

NM_015338.6(ASXL1):c.3598C>A (p.Pro1200Thr)

Gene: ASXL1 (ASXL transcriptional regulator 1; plus strand). Cytogenetic location: 20q11.21.
Variant type: single nucleotide variant.
Coding change: c.3598C>A on transcript NM_015338.6 (MANE Select); coding-DNA position 3598, C replaced by A.
Protein change: p.Pro1200Thr; replaces proline 1200 with threonine.
Molecular consequence: missense variant.
Genome position (GRCh38, 1-based): chr20:32,436,310, C>A. VCF-style: chr20-32436310-C-A. GRCh37 (hg19) VCF-style: chr20-31024113-C-A.
Other names: c.3415C>A, p.Pro1139Thr (NM_001363734.1); short protein forms P1139T, P1200T.
Identifiers: ClinVar variation 3794388 (VCV003794388.1).

ClinVar aggregate classification (germline): Uncertain significance (1 of 4 stars; one submission).

Conditions:
Inborn genetic diseases. Identifiers: MedGen C0950123, MeSH D030342.

Submission:

Ambry Genetics
Classification: Uncertain significance for Inborn genetic diseases. Last evaluated: 2025-03-14. Review status: criteria provided, single submitter. Criteria: Ambry Variant Classification Scheme 2023. Collection method: clinical testing. Allele origin: germline.
Comment: The p.P1200T variant (also known as c.3598C>A), located in coding exon 13 of the ASXL1 gene, results from a C to A substitution at nucleotide position 3598. The proline at codon 1200 is replaced by threonine, an amino acid with highly similar properties. This amino acid position is conserved. In addition, this alteration is predicted to be tolerated by in silico analysis. Based on the available evidence, the clinical significance of this variant remains unclear.